The following is an entry in ClinVar:

ClinVar aggregate classification (germline): Conflicting classifications of pathogenicity. Review status: criteria provided, conflicting classifications (1 of 4 stars). 2 submissions from 2 submitters: Likely pathogenic (1); Uncertain significance (1). Last evaluated 2025-12-15.

Conditions:
Retinitis pigmentosa 59 (RP59). Identifiers: Orphanet 791, MedGen C3151227, MONDO:0013468, OMIM 613861.

Allele frequency attached by ClinVar (database versions not stated): TOPMed below 0.00001.

Submissions (2):

Natera, Inc.
Classification: Likely pathogenic for Retinitis pigmentosa type 59. Last evaluated: 2025-12-15. Review status: criteria provided, single submitter. Criteria: Natera Variant Classification Schema (03/2026). Collection method: clinical testing. Allele origin: germline.
Comment: The c.886C>T variant in DHDDS is a nonsense variant predicted to introduce a stop codon at amino acid 296. This variant is expected to result in nonsense mediated decay, truncation, or a dysfunctional protein product. This variant is rare in the general population with a frequency below the threshold expected for the associated phenotype(s). Given the available evidence, this variant is classified as Likely Pathogenic.

Labcorp Genetics (formerly Invitae), Labcorp
Classification: Uncertain significance for Retinitis pigmentosa 59. Last evaluated: 2022-08-22. Review status: criteria provided, single submitter. Criteria: Invitae Variant Classification Sherloc (09022015). Collection method: clinical testing. Allele origin: germline.
Comment: This sequence change creates a premature translational stop signal (p.Arg296*) in the DHDDS gene. While this is not anticipated to result in nonsense mediated decay, it is expected to disrupt the last 39 amino acid(s) of the DHDDS protein. This variant is not present in population databases (gnomAD no frequency). This variant has not been reported in the literature in individuals affected with DHDDS-related conditions. Experimental studies and prediction algorithms are not available or were not evaluated, and the functional significance of this variant is currently unknown. In summary, the available evidence is currently insufficient to determine the role of this variant in disease. Therefore, it has been classified as a Variant of Uncertain Significance.

NM_205861.3(DHDDS):c.883C>T (p.Arg295Ter)

Gene: DHDDS (dehydrodolichyl diphosphate synthase subunit; plus strand). Cytogenetic location: 1p36.11.
Variant type: single nucleotide variant.
Coding change: c.883C>T on transcript NM_205861.3 (MANE Select); coding-DNA position 883, C replaced by T.
Protein change: p.Arg295Ter; replaces arginine 295 with a stop codon.
Molecular consequence: nonsense.
Genome position (GRCh38, 1-based): chr1:26,469,012, C>T. VCF-style: chr1-26469012-C-T. GRCh37 (hg19) VCF-style: chr1-26795503-C-T.
Other names: c.781C>T, p.Arg261Ter (NM_001243564.2); c.766C>T, p.Arg256Ter (NM_001243565.2); c.604C>T, p.Arg202Ter (NM_001319959.2); c.886C>T, p.Arg296Ter (NM_024887.4); c.886C>T (NM_024887.3); short protein forms R256*, R296*, R202*, R261*, R295*.
Identifiers: ClinVar variation 2051697 (VCV002051697.2), dbSNP rs2075523139, ClinGen allele CA339145754.